The following is an entry in ClinVar:

ClinVar aggregate classification (germline): Conflicting classifications of pathogenicity. Review status: criteria provided, conflicting classifications (1 of 4 stars). 3 submissions from 3 submitters: Uncertain significance (2); Benign (1). Last evaluated 2025-03-14.

Conditions:
DHODH-related disorder. Also called: DHODH-related condition.
Inborn genetic diseases. Identifiers: MedGen C0950123, MeSH D030342.

Allele frequency attached by ClinVar (database versions not stated): gnomAD exomes 0.00001; ExAC 0.00004; TOPMed 0.00009; gnomAD 0.00015.
gnomAD v4.1: 80 of 1,614,136 alleles (0.005%); highest among the groups gnomAD compares: Admixed American, 0.027%; 1 homozygote.

Submissions (3):

Ambry Genetics
Classification: Uncertain significance for Inborn genetic diseases. Last evaluated: 2025-03-14. Review status: criteria provided, single submitter. Criteria: Ambry Variant Classification Scheme 2023. Collection method: clinical testing. Allele origin: germline.

PreventionGenetics, part of Exact Sciences
Classification: Uncertain significance for DHODH-related condition. Last evaluated: 2025-01-10. Review status: criteria provided, single submitter. Criteria: ACMG Guidelines, 2015. Collection method: clinical testing. Allele origin: germline.
Comment: The DHODH c.140G>A variant is predicted to result in the amino acid substitution p.Gly47Glu. To our knowledge, this variant has not been reported in the literature. This variant is reported in 0.015% of alleles in individuals of East Asian descent in gnomAD. At this time, the clinical significance of this variant is uncertain due to the absence of conclusive functional and genetic evidence.

Labcorp Genetics (formerly Invitae), Labcorp
Classification: Benign. Last evaluated: 2024-07-22. Review status: criteria provided, single submitter. Criteria: Invitae Variant Classification Sherloc (09022015). Collection method: clinical testing. Allele origin: germline.

NM_001361.5(DHODH):c.140G>A (p.Gly47Glu)

Gene: DHODH (dihydroorotate dehydrogenase (quinone); plus strand). Cytogenetic location: 16q22.2.
Variant type: single nucleotide variant.
Coding change: c.140G>A on transcript NM_001361.5 (MANE Select); coding-DNA position 140, G replaced by A.
Protein change: p.Gly47Glu; replaces glycine 47 with glutamic acid.
Molecular consequence: missense variant.
Genome position (GRCh38, 1-based): chr16:72,012,168, G>A. VCF-style: chr16-72012168-G-A. GRCh37 (hg19) VCF-style: chr16-72046067-G-A.
Other names: short protein forms G47E.
Identifiers: ClinVar variation 2056660 (VCV002056660.7), dbSNP rs375174980, ClinGen allele CA8158526.